The following is an entry in ClinVar:

ClinVar aggregate classification (germline): Pathogenic (1 of 4 stars; one submission).

Submission:

GeneDx
Classification: Pathogenic. Last evaluated: 2016-11-25. Review status: criteria provided, single submitter. Criteria: GeneDx Variant Classification (06012015). Collection method: clinical testing. Allele origin: germline. Affected: yes.
Comment: The Q488X variant in the CHD2 gene has not been reported previously as a pathogenic variant nor as a benign variant, to our knowledge. This variant is predicted to cause loss of normal protein function either through protein truncation or nonsense-mediated mRNA decay. The Q488X variant was not observed in approximately 6500 individuals of European and African American ancestry in the NHLBI Exome Sequencing Project, indicating it is not a common benign variant in these populations. We interpret Q488X as a pathogenic variant.

NM_001271.4(CHD2):c.1462C>T (p.Gln488Ter)

Gene: CHD2 (chromodomain helicase DNA binding protein 2; plus strand). Cytogenetic location: 15q26.1.
Variant type: single nucleotide variant.
Coding change: c.1462C>T on transcript NM_001271.4 (MANE Select); coding-DNA position 1462, C replaced by T.
Protein change: p.Gln488Ter; replaces glutamine 488 with a stop codon.
Molecular consequence: nonsense.
Genome position (GRCh38, 1-based): chr15:92,949,036, C>T. VCF-style: chr15-92949036-C-T. GRCh37 (hg19) VCF-style: chr15-93492266-C-T.
Other names: c.1462C>T, p.Gln488Ter (NM_001042572.3); short protein forms Q488*.
Identifiers: ClinVar variation 373127 (VCV000373127.2), dbSNP rs1057518236, ClinGen allele CA16042920.